The following is an entry in ClinVar:

NM_024685.4(BBS10):c.179T>G (p.Leu60Ter)

Gene: BBS10 (Bardet-Biedl syndrome 10; minus strand). Cytogenetic location: 12q21.2.
Variant type: single nucleotide variant.
Coding change: c.179T>G on transcript NM_024685.4 (MANE Select); coding-DNA position 179, T replaced by G.
Protein change: p.Leu60Ter; replaces leucine 60 with a stop codon.
Molecular consequence: nonsense.
Genome position (GRCh38, 1-based): chr12:76,348,180, A>C on the plus strand (T>G on the coding strand, the complement: BBS10 is on the minus strand). VCF-style: chr12-76348180-A-C. GRCh37 (hg19) VCF-style: chr12-76741960-A-C.
Other names: short protein forms L60*.
Identifiers: ClinVar variation 1677177 (VCV001677177.1), dbSNP rs2136091512, ClinGen allele CA385816084.

ClinVar aggregate classification (germline): Likely pathogenic (1 of 4 stars; one submission).

Conditions:
Bardet-Biedl syndrome (BBS). Identifiers: Orphanet 110, MedGen C0752166, MONDO:0015229.

Submission:

Women's Health and Genetics/Laboratory Corporation of America, LabCorp
Classification: Likely pathogenic for Bardet-Biedl syndrome. Last evaluated: 2022-03-02. Review status: criteria provided, single submitter. Criteria: LabCorp Variant Classification Summary - May 2015. Collection method: clinical testing. Allele origin: germline.
Comment: Variant summary: BBS10 c.179T>G (p.Leu60X) results in a premature termination codon, predicted to cause a truncation of the encoded protein or absence of the protein due to nonsense mediated decay, which are commonly known mechanisms for disease. Truncations downstream of this position have been classified as pathogenic by our laboratory. The variant was absent in 246918 control chromosomes. To our knowledge, no occurrence of c.179T>G in individuals affected with Bardet-Biedl Syndrome and no experimental evidence demonstrating its impact on protein function have been reported. No clinical diagnostic laboratories have submitted clinical-significance assessments for this variant to ClinVar after 2014. Based on the evidence outlined above, the variant was classified as likely pathogenic.